The following is an entry in ClinVar:

ClinVar aggregate classification (germline): Uncertain significance. Review status: criteria provided, multiple submitters, no conflicts (2 of 4 stars). 2 submissions from 2 submitters: Uncertain significance (2). Last evaluated 2025-02-11.

Conditions:
Inborn genetic diseases. Identifiers: MedGen C0950123, MeSH D030342.

gnomAD v4.1: 3 of 1,613,852 alleles (0.00019%); highest among the groups gnomAD compares: Non-Finnish European, 0.00025%; no homozygotes.

Submissions (2):

Ambry Genetics
Classification: Uncertain significance for Inborn genetic diseases. Last evaluated: 2025-02-11. Review status: criteria provided, single submitter. Criteria: Ambry Variant Classification Scheme 2023. Collection method: clinical testing. Allele origin: germline.

Labcorp Genetics (formerly Invitae), Labcorp
Classification: Uncertain significance. Last evaluated: 2024-11-30. Review status: criteria provided, single submitter. Criteria: Invitae Variant Classification Sherloc (09022015). Collection method: clinical testing. Allele origin: germline.
Comment: This sequence change replaces threonine, which is neutral and polar, with serine, which is neutral and polar, at codon 191 of the CFI protein (p.Thr191Ser). This variant is not present in population databases (gnomAD no frequency). This variant has not been reported in the literature in individuals affected with CFI-related conditions. Invitae Evidence Modeling of protein sequence and biophysical properties (such as structural, functional, and spatial information, amino acid conservation, physicochemical variation, residue mobility, and thermodynamic stability) indicates that this missense variant is not expected to disrupt CFI protein function with a negative predictive value of 80%. In summary, the available evidence is currently insufficient to determine the role of this variant in disease. Therefore, it has been classified as a Variant of Uncertain Significance.

NM_000204.5(CFI):c.571A>T (p.Thr191Ser)

Gene: CFI (complement factor I; minus strand). Cytogenetic location: 4q25.
Variant type: single nucleotide variant.
Coding change: c.571A>T on transcript NM_000204.5 (MANE Select); coding-DNA position 571, A replaced by T.
Protein change: p.Thr191Ser; replaces threonine 191 with serine.
Molecular consequence: missense variant. On other transcripts: 5 prime UTR variant (1), non-coding transcript variant (3).
Genome position (GRCh38, 1-based): chr4:109,761,604, T>A on the plus strand (A>T on the coding strand, the complement: CFI is on the minus strand). VCF-style: chr4-109761604-T-A. GRCh37 (hg19) VCF-style: chr4-110682760-T-A.
Other names: c.571A>T, p.Thr191Ser (NM_001318057.2, NM_001331035.2, NM_001375278.1 and 5 more transcripts); c.-39A>T (NM_001375284.1); short protein forms T191S.
Identifiers: ClinVar variation 3613385 (VCV003613385.3).
Genomic context (GRCh38, chr4:109,761,604, plus strand): 5'-CAGCGAAATCCTGGTAACCCATAGTTCTTCTCTTAGTAAAAGTACATTCAGCCAAACTGG[T>A]CTCTAATCCTCGGCAATGCACATGTAGACATTCAGTGGAATTTATAGAGAGATCAGACAA-3'
Protein context (NP_000195.3, residues 181-201): CLHVHCRGLE[Thr191Ser]SLAECTFTKR